The following is an entry in ClinVar:

ClinVar aggregate classification (germline): Likely benign (0 of 4 stars; one submission).

Conditions:
YTHDC2-related disorder. Also called: YTHDC2-related condition.

Allele frequency attached by ClinVar (database versions not stated): ExAC 0.00747; gnomAD exomes 0.01008.

Submissions (2):

PreventionGenetics, part of Exact Sciences
Classification: Likely benign for YTHDC2-related condition. Last evaluated: 2019-02-21. Review status: no assertion criteria provided. Collection method: clinical testing. Allele origin: germline.
Comment: This variant is classified as likely benign based on ACMG/AMP sequence variant interpretation guidelines (Richards et al. 2015 PMID: 25741868, with internal and published modifications).

Dr. Peter K. Rogan Lab, Western University
No classification provided (evidence only). Condition: Gastric cancer. Review status: no classification provided. Collection method: in vitro. Allele origin: not applicable. Functional consequence: retained intron. Not counted in ClinVar's aggregate classification.

NM_022828.5(YTHDC2):c.1689-3del

Gene: YTHDC2 (YTH N6-methyladenosine RNA binding protein C2; plus strand). Cytogenetic location: 5q22.2.
Variant type: Deletion.
Coding change: c.1689-3del on transcript NM_022828.5 (MANE Select); 3 bases into the intron before coding-DNA position 1689, one base deleted (C; older notation c.1689-3delC).
Molecular consequence: intron variant.
Genome position (GRCh38, 1-based): chr5:113,553,178, C deleted. VCF-style (leftmost placement, unchanged base first): chr5-113553177-TC-T. GRCh37 (hg19) VCF-style: chr5-112888874-TC-T.
Other names: NC_000005.9:g.112888875del; c.1203-3del (NM_001345975.2); c.789-3del (NM_001345976.2).
Identifiers: ClinVar variation 3056221 (VCV003056221.3), dbSNP rs374503453, ClinGen allele CA3371906.
Genomic context (GRCh38, chr5:113,553,177, plus strand): 5'-GGACATAAGGATTACTTTTGTTAATGGAAATTGACTTTGTCTTTTTTTTTTTTTTTTTTT[TC>T]AGTGCTACACTGGAATTTGGAAATCTAGATGAAAGTTCTCTGGTTCAAACAAATGGAAGT-3'